The following is an entry in ClinVar:

ClinVar aggregate classification (germline): Likely pathogenic (1 of 4 stars; one submission).

Conditions:
Stuve-Wiedemann syndrome (STWS). Also called: Stüve-Wiedemann syndrome. Identifiers: Orphanet 3206, MedGen C0796176, MONDO:0031280.

gnomAD v4.1: 1 of 1,544,482 alleles (0.000065%); highest among the groups gnomAD compares: Admixed American, 0.0018%; no homozygotes.

Submission:

Natera, Inc.
Classification: Likely pathogenic for Stuve-Wiedemann syndrome. Last evaluated: 2024-09-06. Review status: criteria provided, single submitter. Criteria: Natera Variant Classification Schema (03/2026). Collection method: clinical testing. Allele origin: germline.
Comment: The c.257+1G>T variant in LIFR is a canonical splice donor site variant predicted to affect pre-mRNA splicing, which may result in an abnormal transcript and altered protein product. This variant is expected to result in nonsense mediated decay, truncation, or a dysfunctional protein product. This variant is rare in the general population with a frequency below the threshold expected for the associated phenotype(s). Given the available evidence, this variant is classified as Likely Pathogenic.

NM_001127671.2(LIFR):c.257+1G>T

Gene: LIFR (LIF receptor subunit alpha; minus strand). Cytogenetic location: 5p13.1.
Variant type: single nucleotide variant.
Coding change: c.257+1G>T on transcript NM_001127671.2 (MANE Select); the canonical splice donor site of the intron after coding-DNA position 257, G replaced by T.
Molecular consequence: splice donor variant.
Genome position (GRCh38, 1-based): chr5:38,528,725, C>A on the plus strand (G>T on the coding strand, the complement: LIFR is on the minus strand). VCF-style: chr5-38528725-C-A. GRCh37 (hg19) VCF-style: chr5-38528827-C-A.
Other names: c.257+1G>T (NM_002310.6, NM_001364298.2, NM_001364297.2).
Identifiers: ClinVar variation 4815024 (VCV004815024.1).